The following is an entry in ClinVar:

ClinVar aggregate classification (germline): Uncertain significance (1 of 4 stars; one submission).

Conditions:
Cohen syndrome (COH1). Also called: Cutis verticis gyrata, retinitis pigmentosa, and sensorineural deafness; PEPPER SYNDROME. Identifiers: Orphanet 193, MedGen C0265223, MONDO:0008999, OMIM 216550.

Submission:

Labcorp Genetics (formerly Invitae), Labcorp
Classification: Uncertain significance for Cohen syndrome. Last evaluated: 2022-03-13. Review status: criteria provided, single submitter. Criteria: Invitae Variant Classification Sherloc (09022015). Collection method: clinical testing. Allele origin: germline.
Comment: This sequence change replaces lysine, which is basic and polar, with methionine, which is neutral and non-polar, at codon 2388 of the VPS13B protein (p.Lys2388Met). This variant is not present in population databases (gnomAD no frequency). This variant has not been reported in the literature in individuals affected with VPS13B-related conditions. Algorithms developed to predict the effect of missense changes on protein structure and function are either unavailable or do not agree on the potential impact of this missense change (SIFT: "Not Available"; PolyPhen-2: "Probably Damaging"; Align-GVGD: "Not Available"). In summary, the available evidence is currently insufficient to determine the role of this variant in disease. Therefore, it has been classified as a Variant of Uncertain Significance.

NM_152564.5(VPS13B):c.7088A>T (p.Lys2363Met)

Gene: VPS13B (vacuolar protein sorting 13 homolog B; plus strand). Cytogenetic location: 8q22.2.
Variant type: single nucleotide variant.
Coding change: c.7088A>T on transcript NM_152564.5 (MANE Select); coding-DNA position 7088, A replaced by T.
Protein change: p.Lys2363Met; replaces lysine 2363 with methionine.
Molecular consequence: missense variant.
Genome position (GRCh38, 1-based): chr8:99,766,811, A>T. VCF-style: chr8-99766811-A-T. GRCh37 (hg19) VCF-style: chr8-100779039-A-T.
Other names: c.7163A>T, p.Lys2388Met (NM_017890.5); short protein forms K2388M, K2363M.
Identifiers: ClinVar variation 2111045 (VCV002111045.4), dbSNP rs778935189, ClinGen allele CA371873964.
Genomic context (GRCh38, chr8:99,766,811, plus strand): 5'-AAATTTTTTTTATTTTAACATAGGTTCCTTGTAGCTTGGAATACTGGGATGAACTCCAGA[A>T]GGTTTTTGTTGCATTTAGAGAATTTAATCTGTCTGAAAGCAAAGTTTGTGAACTGCAGTT-3'
Protein context (NP_689777.3, residues 2353-2373): CSLEYWDELQ[Lys2363Met]VFVAFREFNL